The following is an entry in ClinVar:

NM_001330574.2(ZNF711):c.2287T>G (p.Ser763Ala)

Gene: ZNF711 (zinc finger protein 711; plus strand). Cytogenetic location: Xq21.1.
Variant type: single nucleotide variant.
Coding change: c.2287T>G on transcript NM_001330574.2 (MANE Select); coding-DNA position 2287, T replaced by G.
Protein change: p.Ser763Ala; replaces serine 763 with alanine.
Molecular consequence: missense variant.
Genome position (GRCh38, 1-based): chrX:85,271,691, T>G. VCF-style: chrX-85271691-T-G. GRCh37 (hg19) VCF-style: chrX-84526697-T-G.
Other names: c.2287T>G, p.Ser763Ala (NM_001375431.1, NM_001375432.1, NM_001375433.1); c.2149T>G, p.Ser717Ala (NM_001375434.1, NM_001375435.1, NM_001375436.1 and 2 more transcripts); short protein forms S717A, S763A.
Identifiers: ClinVar variation 1313801 (VCV001313801.3), dbSNP rs2147877570, ClinGen allele CA413777971.

ClinVar aggregate classification (germline): Uncertain significance (1 of 4 stars; one submission).

Submission:

GeneDx
Classification: Uncertain significance. Last evaluated: 2026-01-09. Review status: criteria provided, single submitter. Criteria: GeneDx Variant Classification Process June 2021. Collection method: clinical testing. Allele origin: germline. Affected: yes.
Comment: Not observed at significant frequency in large population cohorts (gnomAD); In silico analysis suggests that this missense variant does not alter protein structure/function; Has not been previously published as pathogenic or benign to our knowledge